The following is an entry in ClinVar:

ClinVar aggregate classification (germline): Uncertain significance (1 of 4 stars; one submission).

Conditions:
Luscan-Lumish syndrome. Identifiers: Orphanet 597738, MedGen C4085873, MONDO:0014791, OMIM 616831.

Allele frequency attached by ClinVar (database versions not stated): TOPMed below 0.00001; gnomAD 0.00001.
gnomAD v4.1: 1 of 1,614,080 alleles (0.000062%); highest among the groups gnomAD compares: Non-Finnish European, 0.000085%; no homozygotes.

Submission:

Labcorp Genetics (formerly Invitae), Labcorp
Classification: Uncertain significance for Luscan-Lumish syndrome. Last evaluated: 2018-05-07. Review status: criteria provided, single submitter. Criteria: Invitae Variant Classification Sherloc (09022015). Collection method: clinical testing. Allele origin: germline.
Comment: This variant is not present in population databases (ExAC no frequency). In summary, the available evidence is currently insufficient to determine the role of this variant in disease. Therefore, it has been classified as a Variant of Uncertain Significance. Algorithms developed to predict the effect of missense changes on protein structure and function output the following: SIFT: "Tolerated"; PolyPhen-2: "Benign"; Align-GVGD: "Class C0". The arginine amino acid residue is found in multiple mammalian species, suggesting that this missense change does not adversely affect protein function. These predictions have not been confirmed by published functional studies and their clinical significance is uncertain. This variant has not been reported in the literature in individuals with SETD2-related disease. This sequence change replaces lysine with arginine at codon 1364 of the SETD2 protein (p.Lys1364Arg). The lysine residue is moderately conserved and there is a small physicochemical difference between lysine and arginine.

NM_014159.7(SETD2):c.4091A>G (p.Lys1364Arg)

Gene: SETD2 (SET domain containing 2, histone lysine methyltransferase; minus strand). Cytogenetic location: 3p21.31.
Variant type: single nucleotide variant.
Coding change: c.4091A>G on transcript NM_014159.7 (MANE Select); coding-DNA position 4091, A replaced by G.
Protein change: p.Lys1364Arg; replaces lysine 1364 with arginine.
Molecular consequence: missense variant. On other transcripts: non-coding transcript variant (1).
Genome position (GRCh38, 1-based): chr3:47,120,545, T>C on the plus strand (A>G on the coding strand, the complement: SETD2 is on the minus strand). VCF-style: chr3-47120545-T-C. GRCh37 (hg19) VCF-style: chr3-47162035-T-C.
Other names: c.3959A>G, p.Lys1320Arg (NM_001349370.3); short protein forms K1364R, K1320R.
Identifiers: ClinVar variation 567062 (VCV000567062.5), dbSNP rs1559741577, ClinGen allele CA352518749.